The following is an entry in ClinVar:

NM_018082.6(POLR3B):c.2728A>G (p.Ile910Val)

Gene: POLR3B (RNA polymerase III subunit B; plus strand). Cytogenetic location: 12q23.3.
Variant type: single nucleotide variant.
Coding change: c.2728A>G on transcript NM_018082.6 (MANE Select); coding-DNA position 2728, A replaced by G.
Protein change: p.Ile910Val; replaces isoleucine 910 with valine.
Molecular consequence: missense variant.
Genome position (GRCh38, 1-based): chr12:106,496,069, A>G. VCF-style: chr12-106496069-A-G. GRCh37 (hg19) VCF-style: chr12-106889847-A-G.
Other names: c.2554A>G, p.Ile852Val (NM_001160708.2); short protein forms I852V, I910V.
Identifiers: ClinVar variation 2216109 (VCV002216109.4), dbSNP rs569069911, ClinGen allele CA6762276.

ClinVar aggregate classification (germline): Uncertain significance. Review status: criteria provided, multiple submitters, no conflicts (2 of 4 stars). 3 submissions from 3 submitters: Uncertain significance (3). Last evaluated 2024-03-29.

Conditions:
Inborn genetic diseases. Identifiers: MedGen C0950123, MeSH D030342.

Allele frequency attached by ClinVar (database versions not stated): gnomAD exomes 0.00001; gnomAD 0.00010; TOPMed 0.00013; 1000 Genomes Project 30x 0.00016; 1000 Genomes Project 0.00020.
gnomAD v4.1: 28 of 1,609,874 alleles (0.0017%); highest among the groups gnomAD compares: African/African-American, 0.028%; no homozygotes.

Submissions (3):

Labcorp Genetics (formerly Invitae), Labcorp
Classification: Uncertain significance. Last evaluated: 2024-03-29. Review status: criteria provided, single submitter. Criteria: Invitae Variant Classification Sherloc (09022015). Collection method: clinical testing. Allele origin: germline.
Comment: This sequence change replaces isoleucine, which is neutral and non-polar, with valine, which is neutral and non-polar, at codon 910 of the POLR3B protein (p.Ile910Val). This variant is present in population databases (rs569069911, gnomAD 0.05%). This variant has not been reported in the literature in individuals affected with POLR3B-related conditions. ClinVar contains an entry for this variant (Variation ID: 2216109). Advanced modeling of protein sequence and biophysical properties (such as structural, functional, and spatial information, amino acid conservation, physicochemical variation, residue mobility, and thermodynamic stability) performed at Invitae indicates that this missense variant is not expected to disrupt POLR3B protein function with a negative predictive value of 80%. In summary, the available evidence is currently insufficient to determine the role of this variant in disease. Therefore, it has been classified as a Variant of Uncertain Significance.

GeneDx
Classification: Uncertain significance. Last evaluated: 2023-06-13. Review status: criteria provided, single submitter. Criteria: GeneDx Variant Classification Process June 2021. Collection method: clinical testing. Allele origin: germline. Affected: yes.
Comment: In silico analysis supports that this missense variant does not alter protein structure/function; Has not been previously published as pathogenic or benign to our knowledge

Ambry Genetics
Classification: Uncertain significance for Inborn genetic diseases. Last evaluated: 2022-12-21. Review status: criteria provided, single submitter. Criteria: Ambry Variant Classification Scheme 2023. Collection method: clinical testing. Allele origin: germline.